The following is an entry in ClinVar:

NM_003737.4(DCHS1):c.3675+4T>A

Gene: DCHS1 (dachsous cadherin-related 1; minus strand). Cytogenetic location: 11p15.4.
Variant type: single nucleotide variant.
Coding change: c.3675+4T>A on transcript NM_003737.4 (MANE Select); 4 bases into the intron after coding-DNA position 3675, T replaced by A.
Molecular consequence: intron variant.
Genome position (GRCh38, 1-based): chr11:6,631,612, A>T on the plus strand (T>A on the coding strand, the complement: DCHS1 is on the minus strand). VCF-style: chr11-6631612-A-T. GRCh37 (hg19) VCF-style: chr11-6652843-A-T.
Identifiers: ClinVar variation 4695787 (VCV004695787.1).
Genomic context (GRCh38, chr11:6,631,612, plus strand): 5'-CTCTATGGGGAGATCCCCACTCCCTCTCACACTTCTCAGGACAAAGTCCTGCCACTTCAC[A>T]TACCTGTATAGGGAGGCCCCCACCAGCAGCTCCTGAAGCCTGCAGGAACGTGGGGCTGTT-3'

ClinVar aggregate classification (germline): Uncertain significance (1 of 4 stars; one submission).

gnomAD v4.1: 12 of 1,567,854 alleles (0.00077%); highest among the groups gnomAD compares: South Asian, 0.015%; 1 homozygote.

Submission:

Labcorp Genetics (formerly Invitae), Labcorp
Classification: Uncertain significance. Last evaluated: 2025-05-17. Review status: criteria provided, single submitter. Criteria: Invitae Variant Classification Sherloc (09022015). Collection method: clinical testing. Allele origin: germline.
Comment: This sequence change falls in intron 7 of the DCHS1 gene. It does not directly change the encoded amino acid sequence of the DCHS1 protein. It affects a nucleotide within the consensus splice site. This variant is present in population databases (rs758695683, gnomAD 0.01%). This variant has not been reported in the literature in individuals affected with DCHS1-related conditions. Variants that disrupt the consensus splice site are a relatively common cause of aberrant splicing (PMID: 17576681, 9536098). Algorithms developed to predict the effect of sequence changes on RNA splicing suggest that this variant is not likely to affect RNA splicing. In summary, the available evidence is currently insufficient to determine the role of this variant in disease. Therefore, it has been classified as a Variant of Uncertain Significance.

Literature cited by the submitters: PubMed 17576681; PubMed 9536098.